The following is an entry in ClinVar:

ClinVar aggregate classification (germline): Uncertain significance. Review status: criteria provided, multiple submitters, no conflicts (2 of 4 stars). 2 submissions from 2 submitters: Uncertain significance (2). Last evaluated 2024-10-01.

Conditions:
Inborn genetic diseases. Identifiers: MedGen C0950123, MeSH D030342.

Allele frequency attached by ClinVar (database versions not stated): TOPMed 0.00002; ExAC 0.00003; gnomAD 0.00003; gnomAD exomes 0.00002.
gnomAD v4.1: 37 of 1,613,670 alleles (0.0023%); highest among the groups gnomAD compares: South Asian, 0.0033%; no homozygotes.

Submissions (2):

Ambry Genetics
Classification: Uncertain significance for Inborn genetic diseases. Last evaluated: 2024-10-01. Review status: criteria provided, single submitter. Criteria: Ambry Variant Classification Scheme 2023. Collection method: clinical testing. Allele origin: germline.

Labcorp Genetics (formerly Invitae), Labcorp
Classification: Uncertain significance. Last evaluated: 2021-09-02. Review status: criteria provided, single submitter. Criteria: Invitae Variant Classification Sherloc (09022015). Collection method: clinical testing. Allele origin: germline.
Comment: This sequence change replaces asparagine with tyrosine at codon 1814 of the TUBGCP6 protein (p.Asn1814Tyr). The asparagine residue is moderately conserved and there is a large physicochemical difference between asparagine and tyrosine. This variant is present in population databases (rs762167154, ExAC 0.01%). This variant has not been reported in the literature in individuals affected with TUBGCP6-related conditions. Algorithms developed to predict the effect of missense changes on protein structure and function are either unavailable or do not agree on the potential impact of this missense change (SIFT: "Tolerated"; PolyPhen-2: "Possibly Damaging"; Align-GVGD: "Class C0"). In summary, the available evidence is currently insufficient to determine the role of this variant in disease. Therefore, it has been classified as a Variant of Uncertain Significance.

NM_020461.4(TUBGCP6):c.5440A>T (p.Asn1814Tyr)

Gene: TUBGCP6 (tubulin gamma complex component 6; minus strand). Cytogenetic location: 22q13.33.
Variant type: single nucleotide variant.
Coding change: c.5440A>T on transcript NM_020461.4 (MANE Select); coding-DNA position 5440, A replaced by T.
Protein change: p.Asn1814Tyr; replaces asparagine 1814 with tyrosine.
Molecular consequence: missense variant.
Genome position (GRCh38, 1-based): chr22:50,217,756, T>A on the plus strand (A>T on the coding strand, the complement: TUBGCP6 is on the minus strand). VCF-style: chr22-50217756-T-A. GRCh37 (hg19) VCF-style: chr22-50656185-T-A.
Other names: c.5440A>T (NM_020461.3); short protein forms N1814Y.
Identifiers: ClinVar variation 1039689 (VCV001039689.7), dbSNP rs762167154, ClinGen allele CA10307004.